The following is an entry in ClinVar:

NM_001371928.1(AHDC1):c.3451C>T (p.Gln1151Ter)

Gene: AHDC1 (AT-hook DNA binding motif containing 1; minus strand). Cytogenetic location: 1p36.11.
Variant type: single nucleotide variant.
Coding change: c.3451C>T on transcript NM_001371928.1 (MANE Select); coding-DNA position 3451, C replaced by T.
Protein change: p.Gln1151Ter; replaces glutamine 1151 with a stop codon.
Molecular consequence: nonsense.
Genome position (GRCh38, 1-based): chr1:27,548,665, G>A on the plus strand (C>T on the coding strand, the complement: AHDC1 is on the minus strand). VCF-style: chr1-27548665-G-A. GRCh37 (hg19) VCF-style: chr1-27875176-G-A.
Other names: p.Gln1151*; c.3451C>T, p.Gln1151Ter (NM_001029882.3); short protein forms Q1151*.
Identifiers: ClinVar variation 3338652 (VCV003338652.2).
Genomic context (GRCh38, chr1:27,548,665, plus strand): 5'-TGCTGTCGGAGGATGACTCAGAGAAGGTCTCCGACACAGCCGTCTGCTGCTTCACCTTCT[G>A]CGGTGTGTAGTTGGAGATGTCCAGGATCACGTTGGGCTCGCTGACGTGGCAGTCAAAACT-3'

ClinVar aggregate classification (germline): Likely pathogenic (1 of 4 stars; one submission).

Conditions:
AHDC1-related intellectual disability - obstructive sleep apnea - mild dysmorphism syndrome. Also called: Xia-Gibbs syndrome. Identifiers: Orphanet 412069, MedGen C4014419, MONDO:0014358, OMIM 615829.

Submission:

Laboratory of Human Genetics, Universidade de São Paulo
Classification: Likely pathogenic for AHDC1-related intellectual disability - obstructive sleep apnea - mild dysmorphism syndrome. Last evaluated: 2024-05-15. Review status: criteria provided, single submitter. Criteria: ACMG Guidelines, 2015. Collection method: clinical testing. Allele origin: de novo. Affected: yes. Observed: 1 heterozygote.
Comment: PVS1, PM2